The following is an entry in ClinVar:

NM_001289104.2(PRKCSH):c.1099G>A (p.Asp367Asn)

Gene: PRKCSH (PRKCSH beta subunit of glucosidase II; plus strand). Cytogenetic location: 19p13.2.
Variant type: single nucleotide variant.
Coding change: c.1099G>A on transcript NM_001289104.2 (MANE Select); coding-DNA position 1099, G replaced by A.
Protein change: p.Asp367Asn; replaces aspartic acid 367 with asparagine.
Molecular consequence: missense variant.
Genome position (GRCh38, 1-based): chr19:11,447,762, G>A. VCF-style: chr19-11447762-G-A. GRCh37 (hg19) VCF-style: chr19-11558577-G-A.
Other names: c.1069G>A, p.Asp357Asn (NM_001001329.3, NM_001289102.2, NM_001379609.1); c.1099G>A, p.Asp367Asn (NM_001289103.2); c.1078G>A, p.Asp360Asn (NM_001379608.1, NM_002743.3); short protein forms D357N, D360N, D367N.
Identifiers: ClinVar variation 1483452 (VCV001483452.10), dbSNP rs764376521, ClinGen allele CA9213145.

ClinVar aggregate classification (germline): Uncertain significance. Review status: criteria provided, multiple submitters, no conflicts (2 of 4 stars). 2 submissions from 2 submitters: Uncertain significance (2). Last evaluated 2024-10-24.

Conditions:
Polycystic liver disease 1 (PCLD1). Also called: Polycystic liver disease 1 with or without kidney cysts. Identifiers: Orphanet 2924, MedGen C0887850, MONDO:0008265, OMIM 174050.

Allele frequency attached by ClinVar (database versions not stated): gnomAD 0.00002; gnomAD exomes 0.00002; TOPMed 0.00005.
gnomAD v4.1: 8 of 1,590,426 alleles (0.0005%); highest among the groups gnomAD compares: African/African-American, 0.008%; no homozygotes.

Submissions (2):

Labcorp Genetics (formerly Invitae), Labcorp
Classification: Uncertain significance. Last evaluated: 2024-10-24. Review status: criteria provided, single submitter. Criteria: Invitae Variant Classification Sherloc (09022015). Collection method: clinical testing. Allele origin: germline.
Comment: This sequence change replaces aspartic acid, which is acidic and polar, with asparagine, which is neutral and polar, at codon 360 of the PRKCSH protein (p.Asp360Asn). The frequency data for this variant in the population databases is considered unreliable, as metrics indicate poor data quality at this position in the gnomAD database. This variant has not been reported in the literature in individuals affected with PRKCSH-related conditions. ClinVar contains an entry for this variant (Variation ID: 1483452). An algorithm developed to predict the effect of missense changes on protein structure and function (PolyPhen-2) suggests that this variant is likely to be disruptive. In summary, the available evidence is currently insufficient to determine the role of this variant in disease. Therefore, it has been classified as a Variant of Uncertain Significance.

Fulgent Genetics
Classification: Uncertain significance for Polycystic liver disease 1. Last evaluated: 2024-04-08. Review status: criteria provided, single submitter. Criteria: ACMG Guidelines, 2015. Collection method: clinical testing. Allele origin: germline.